The following is an entry in ClinVar:

NM_000226.4(KRT9):c.726-9G>T

Gene: KRT9 (keratin 9; minus strand). Cytogenetic location: 17q21.2.
Variant type: single nucleotide variant.
Coding change: c.726-9G>T on transcript NM_000226.4 (MANE Select); 9 bases into the intron before coding-DNA position 726, G replaced by T.
Molecular consequence: intron variant.
Genome position (GRCh38, 1-based): chr17:41,570,024, C>A on the plus strand (G>T on the coding strand, the complement: KRT9 is on the minus strand). VCF-style: chr17-41570024-C-A. GRCh37 (hg19) VCF-style: chr17-39726276-C-A.
Identifiers: ClinVar variation 323133 (VCV000323133.18), dbSNP rs3816510, ClinGen allele CA8562146.

ClinVar aggregate classification (germline): Benign. Review status: criteria provided, multiple submitters, no conflicts (2 of 4 stars). 5 submissions from 5 submitters: Benign (5). Last evaluated 2026-02-04.

Conditions:
Palmoplantar keratoderma, epidermolytic. Also called: Localized epidermolytic hyperkeratosis. Identifiers: MedGen C1721006, MONDO:0968949, HP:0007559.

Allele frequency attached by ClinVar (database versions not stated): ESP Exome Variant Server 0.51699; gnomAD 0.55106 and 0.56179; TOPMed 0.55996; ExAC 0.62889; gnomAD exomes 0.63708; 1000 Genomes Project 30x 0.65006; 1000 Genomes Project 0.66314.
gnomAD v4.1: 936,929 of 1,613,752 alleles (58%); highest among the groups gnomAD compares: East Asian, 96%; 278,708 homozygotes.

Submissions (5):

Labcorp Genetics (formerly Invitae), Labcorp
Classification: Benign. Last evaluated: 2026-02-04. Review status: criteria provided, single submitter. Criteria: Invitae Variant Classification Sherloc (09022015). Collection method: clinical testing. Allele origin: germline.

Genome-Nilou Lab
Classification: Benign for Epidermolytic palmoplantar keratoderma, 1. Last evaluated: 2021-08-19. Review status: criteria provided, single submitter. Criteria: ACMG Guidelines, 2015. Collection method: clinical testing. Allele origin: germline. Affected: no.

GeneDx
Classification: Benign. Last evaluated: 2018-11-12. Review status: criteria provided, single submitter. Criteria: GeneDx Variant Classification Process June 2021. Collection method: clinical testing. Allele origin: germline. Affected: yes.

Illumina Laboratory Services, Illumina
Classification: Benign for Epidermolytic palmoplantar keratoderma, 1. Last evaluated: 2018-01-13. Review status: criteria provided, single submitter. Criteria: ICSL Variant Classification Criteria 13 December 2019. Collection method: clinical testing. Allele origin: germline.
Comment: This variant was observed in the ICSL laboratory as part of a predisposition screen in an ostensibly healthy population. It had not been previously curated by ICSL or reported in the Human Gene Mutation Database (HGMD: prior to June 1st, 2018), and was therefore a candidate for classification through an automated scoring system. Utilizing variant allele frequency, disease prevalence and penetrance estimates, and inheritance mode, an automated score was calculated to assess if this variant is too frequent to cause the disease. Based on the score and internal cut-off values, a variant classified as benign is not then subjected to further curation. The score for this variant resulted in a classification of benign for this disease.

Breakthrough Genomics
Classification: Benign. Review status: criteria provided, single submitter. Criteria: ACMG Guidelines, 2015. Collection method: not provided. Allele origin: germline. Inheritance: Autosomal dominant inheritance. Affected: yes.